The following is an entry in ClinVar:

NM_022489.4(INF2):c.3537G>A (p.Thr1179=)

Gene: INF2 (inverted formin 2; plus strand). Cytogenetic location: 14q32.33.
Variant type: single nucleotide variant.
Coding change: c.3537G>A on transcript NM_022489.4 (MANE Select); coding-DNA position 3537, G replaced by A.
Protein change: p.Thr1179=; no amino-acid change (threonine 1179 retained).
Molecular consequence: synonymous variant.
Genome position (GRCh38, 1-based): chr14:104,714,699, G>A. VCF-style: chr14-104714699-G-A. GRCh37 (hg19) VCF-style: chr14-105181036-G-A.
Other names: c.3537G>A, p.Thr1179= (NM_001031714.4).
Identifiers: ClinVar variation 540065 (VCV000540065.14), dbSNP rs758215424, ClinGen allele CA7373298.

ClinVar aggregate classification (germline): Likely benign. Review status: criteria provided, multiple submitters, no conflicts (2 of 4 stars). 3 submissions from 3 submitters: Likely benign (3). Last evaluated 2026-05-08.

Conditions:
INF2-related disorder. Also called: INF2-related condition.
Focal segmental glomerulosclerosis 5 (FSGS5). Identifiers: Orphanet 656, MedGen C2750475, MONDO:0013191, OMIM 613237.
Charcot-Marie-Tooth disease dominant intermediate E. Also called: CHARCOT-MARIE-TOOTH NEUROPATHY WITH FOCAL SEGMENTAL GLOMERULONEPHRITIS. Identifiers: Orphanet 93114, MedGen C4302667, MONDO:0013758, OMIM 614455.
Inborn genetic diseases. Identifiers: MedGen C0950123, MeSH D030342.

Allele frequency attached by ClinVar (database versions not stated): ExAC 0.00001; gnomAD 0.00001; gnomAD exomes 0.00002 and 0.00003; TOPMed 0.00002.
gnomAD v4.1: 52 of 1,610,614 alleles (0.0032%); highest among the groups gnomAD compares: African/African-American, 0.004%; no homozygotes.

Submissions (3):

PreventionGenetics, part of Exact Sciences
Classification: Likely benign for INF2-related condition. Last evaluated: 2026-05-08. Review status: criteria provided, single submitter. Criteria: ACMG Guidelines, 2015. Collection method: clinical testing. Allele origin: germline.
Comment: This variant is classified as likely benign based on ACMG/AMP sequence variant interpretation guidelines (Richards et al. 2015 PMID: 25741868, with internal and published modifications).

Labcorp Genetics (formerly Invitae), Labcorp
Classification: Likely benign for Charcot-Marie-Tooth disease dominant intermediate E; Focal segmental glomerulosclerosis 5. Last evaluated: 2025-03-06. Review status: criteria provided, single submitter. Criteria: Invitae Variant Classification Sherloc (09022015). Collection method: clinical testing. Allele origin: germline.

Ambry Genetics
Classification: Likely benign for Inborn genetic diseases. Last evaluated: 2019-07-11. Review status: criteria provided, single submitter. Criteria: Ambry Variant Classification Scheme 2023. Collection method: clinical testing. Allele origin: germline.